The following is an entry in ClinVar:

NM_001278716.2(FBXL4):c.35C>G (p.Thr12Ser)

Gene: FBXL4 (F-box and leucine rich repeat protein 4; minus strand). Cytogenetic location: 6q16.2.
Variant type: single nucleotide variant.
Coding change: c.35C>G on transcript NM_001278716.2 (MANE Select); coding-DNA position 35, C replaced by G.
Protein change: p.Thr12Ser; replaces threonine 12 with serine.
Molecular consequence: missense variant. On other transcripts: non-coding transcript variant (2).
Genome position (GRCh38, 1-based): chr6:98,926,954, G>C on the plus strand (C>G on the coding strand, the complement: FBXL4 is on the minus strand). VCF-style: chr6-98926954-G-C. GRCh37 (hg19) VCF-style: chr6-99374830-G-C.
Other names: c.35C>G, p.Thr12Ser (NM_012160.5); c.35C>G (NM_012160.3); short protein forms T12S.
Identifiers: ClinVar variation 1921126 (VCV001921126.4), dbSNP rs771325698, ClinGen allele CA365092241.
Genomic context (GRCh38, chr6:98,926,954, plus strand): 5'-ATCATTTCTCCTCTTGTAGCTGTCCTGGCTCGGCGCCGAAGGCATATATAATAAAACATG[G>C]TCAGAACTGTTAACATGGGAAAGACCGGTGACATCTAGATGTGAATTATGAAGCTTCAAA-3'
Protein context (NP_001265645.1, residues 2-22): SPVFPMLTVL[Thr12Ser]MFYYICLRRR

ClinVar aggregate classification (germline): Uncertain significance. Review status: criteria provided, multiple submitters, no conflicts (2 of 4 stars). 2 submissions from 2 submitters: Uncertain significance (2). Last evaluated 2023-08-02.

Conditions:
Inborn genetic diseases. Identifiers: MedGen C0950123, MeSH D030342.

Allele frequency attached by ClinVar (database versions not stated): gnomAD exomes below 0.00001; TOPMed 0.00002.
gnomAD v4.1: 5 of 1,614,080 alleles (0.00031%); highest among the groups gnomAD compares: Non-Finnish European, 0.00042%; no homozygotes.

Submissions (2):

Ambry Genetics
Classification: Uncertain significance for Inborn genetic diseases. Last evaluated: 2023-08-02. Review status: criteria provided, single submitter. Criteria: Ambry Variant Classification Scheme 2023. Collection method: clinical testing. Allele origin: germline.

Labcorp Genetics (formerly Invitae), Labcorp
Classification: Uncertain significance. Last evaluated: 2021-12-23. Review status: criteria provided, single submitter. Criteria: Invitae Variant Classification Sherloc (09022015). Collection method: clinical testing. Allele origin: germline.
Comment: This sequence change replaces threonine, which is neutral and polar, with serine, which is neutral and polar, at codon 12 of the FBXL4 protein (p.Thr12Ser). This variant is not present in population databases (gnomAD no frequency). This variant has not been reported in the literature in individuals affected with FBXL4-related conditions. Advanced modeling of protein sequence and biophysical properties (such as structural, functional, and spatial information, amino acid conservation, physicochemical variation, residue mobility, and thermodynamic stability) performed at Invitae indicates that this missense variant is not expected to disrupt FBXL4 protein function. In summary, the available evidence is currently insufficient to determine the role of this variant in disease. Therefore, it has been classified as a Variant of Uncertain Significance.